The following is an entry in ClinVar:

ClinVar aggregate classification (germline): Uncertain significance. Review status: criteria provided, single submitter (1 of 4 stars). 2 submissions from 2 submitters: Uncertain significance (1). 1 of the submissions does not count toward it. Last evaluated 2021-08-24.

Conditions:
Duchenne muscular dystrophy (DMD). Also called: MUSCULAR DYSTROPHY, PSEUDOHYPERTROPHIC PROGRESSIVE, DUCHENNE TYPE; Duchenne Muscular Dystrophy (DMD). Identifiers: Orphanet 98896, MedGen C0013264, MONDO:0010679, OMIM 310200.
Dystrophin deficiency.
Becker muscular dystrophy (BMD). Also called: MUSCULAR DYSTROPHY, PSEUDOHYPERTROPHIC PROGRESSIVE, BECKER TYPE; Becker Muscular Dystrophy (BMD). Identifiers: Orphanet 98895, MedGen C0917713, MONDO:0010311, OMIM 300376.
Cardiomyopathy (CMYO). Also called: Cardiomyopathies. Identifiers: Orphanet 167848, MedGen C0878544, MONDO:0004994, HP:0001638. Inheritance: Various modes of inheritance.

Submissions (2):

Labcorp Genetics (formerly Invitae), Labcorp
Classification: Uncertain significance for Duchenne muscular dystrophy. Last evaluated: 2021-08-24. Review status: criteria provided, single submitter. Criteria: Invitae Variant Classification Sherloc (09022015). Collection method: clinical testing. Allele origin: germline.
Comment: This sequence change replaces serine with threonine at codon 949 of the DMD protein (p.Ser949Thr). The serine residue is highly conserved and there is a small physicochemical difference between serine and threonine. This variant is not present in population databases (ExAC no frequency). This variant has not been reported in the literature in individuals affected with DMD-related conditions. Algorithms developed to predict the effect of missense changes on protein structure and function output the following: SIFT: "Tolerated"; PolyPhen-2: "Benign"; Align-GVGD: "Class C0". The threonine amino acid residue is found in multiple mammalian species, which suggests that this missense change does not adversely affect protein function. In summary, the available evidence is currently insufficient to determine the role of this variant in disease. Therefore, it has been classified as a Variant of Uncertain Significance.

Natera, Inc.
Classification: Uncertain significance for Becker muscular dystrophy; Cardiomyopathy; Duchenne muscular dystrophy; Dystrophin deficiency. Last evaluated: 2019-09-05. Review status: no assertion criteria provided. Collection method: clinical testing. Allele origin: germline. Not counted in ClinVar's aggregate classification.

NM_004006.3(DMD):c.2846G>C (p.Ser949Thr)

Gene: DMD (dystrophin; minus strand). Cytogenetic location: Xp21.1.
Variant type: single nucleotide variant.
Coding change: c.2846G>C on transcript NM_004006.3 (MANE Select); coding-DNA position 2846, G replaced by C.
Protein change: p.Ser949Thr; replaces serine 949 with threonine.
Molecular consequence: missense variant.
Genome position (GRCh38, 1-based): chrX:32,472,267, C>G on the plus strand (G>C on the coding strand, the complement: DMD is on the minus strand). VCF-style: chrX-32472267-C-G. GRCh37 (hg19) VCF-style: chrX-32490384-C-G.
Other names: c.2822G>C, p.Ser941Thr (NM_000109.4); c.2834G>C, p.Ser945Thr (NM_004009.3); c.2477G>C, p.Ser826Thr (NM_004010.3); short protein forms S826T, S941T, S945T, S949T.
Identifiers: ClinVar variation 1014878 (VCV001014878.7), dbSNP rs1057522383, ClinGen allele CA412668194.